The following is an entry in ClinVar:

NM_152296.5(ATP1A3):c.2959C>T (p.Leu987Phe)

Gene: ATP1A3 (ATPase Na+/K+ transporting subunit alpha 3; minus strand). Cytogenetic location: 19q13.2.
Variant type: single nucleotide variant.
Coding change: c.2959C>T on transcript NM_152296.5 (MANE Select); coding-DNA position 2959, C replaced by T.
Protein change: p.Leu987Phe; replaces leucine 987 with phenylalanine.
Molecular consequence: missense variant.
Genome position (GRCh38, 1-based): chr19:41,967,303, G>A on the plus strand (C>T on the coding strand, the complement: ATP1A3 is on the minus strand). VCF-style: chr19-41967303-G-A. GRCh37 (hg19) VCF-style: chr19-42471455-G-A.
Other names: c.2992C>T, p.Leu998Phe (NM_001256213.2); c.2998C>T, p.Leu1000Phe (NM_001256214.2); short protein forms L1000F, L987F, L998F.
Identifiers: ClinVar variation 4856262 (VCV004856262.1).

ClinVar aggregate classification (germline): Uncertain significance (1 of 4 stars; one submission).

Conditions:
Developmental and epileptic encephalopathy 99. Identifiers: MedGen C5562018, MONDO:0030473, OMIM 619606.

Submission:

3billion
Classification: Uncertain significance for Developmental and epileptic encephalopathy 99. Last evaluated: 2025-08-21. Review status: criteria provided, single submitter. Criteria: ACMG Guidelines, 2015. Collection method: clinical testing. Allele origin: germline. Affected: yes.
Comment: The variant is not observed in the gnomAD v4.1.0 dataset. Predicted Consequence/Location: Missense variant. Missense changes are a common disease-causing mechanism. In silico tool predictions suggest damaging effect of the variant on gene or gene product [REVEL: 0.63 (>=0.6, sensitivity 0.68 and specificity 0.92); 3Cnet: 0.83 (> 0.75, sensitivity 0.96 and precision 0.92)]. Different missense changes at the same codon have been reported as of uncertain significance (ClinVar ID: VCV001676862). Therefore, this variant is classified as VUS according to the recommendation of ACMG/AMP guideline.